The following is an entry in ClinVar:

ClinVar aggregate classification (germline): Pathogenic (1 of 4 stars; one submission).

Submission:

ISCA Site 6
Classification: Pathogenic. Last evaluated: 2011-08-12. Review status: criteria provided, single submitter. Criteria: Kaminsky et al. (Genet Med. 2011). Collection method: clinical testing. Allele origin: unknown. Affected: yes. Observed: 1 variant allele.
Comment: Copy number variation identified through the course of routine clinical cytogenomic testing in postnatal populations. Clinical assertions have been curated as described in Kaminsky et al. 2011.

GRCh38/hg38 7q11.23(chr7:73312575-74723034)x3

Genes: ABHD11 (abhydrolase domain containing 11; minus strand), ABHD11-AS1 (ABHD11 antisense RNA 1 (tail to tail); plus strand), BAZ1B (bromodomain adjacent to zinc finger domain 1B; minus strand), BCL7B (BAF chromatin remodeling complex subunit BCL7B; minus strand), BUD23 (BUD23 rRNA methyltransferase and ribosome maturation factor; plus strand) and 126 more. Cytogenetic location: 7q11.23.
Variant type: copy number gain.
Change: copy number 3 (three copies instead of two) of chr7:73,312,575-74,723,034 (1.41 Mb, GRCh38 coordinates, 1-based), cytogenetic band 7q11.23.
Identifiers: ClinVar variation 58239 (VCV000058239.2).